The following is an entry in ClinVar:

NM_000558.5(HBA1):c.103dup (p.Leu35fs)

Genes: HBA1 (hemoglobin subunit alpha 1; plus strand), LOC106804613 (hemoglobin subunit alpha 1 recombination region; plus strand). Cytogenetic location: 16p13.3.
Variant type: Duplication.
Coding change: c.103dup on transcript NM_000558.5 (MANE Select); coding-DNA position 103, one base duplicated (C; older notation c.103dupC).
Protein change: p.Leu35fs; shifts the reading frame from leucine 35.
Molecular consequence: frameshift variant.
Genome position (GRCh38, 1-based): chr16:176,936, C duplicated; the last of 2 consecutive C bases (chr16:176,935-176,936); duplicating either gives the same sequence. VCF-style (leftmost placement, unchanged base first): chr16-176934-T-TC. GRCh37 (hg19) VCF-style: chr16-226933-T-TC.
Other names: short protein forms L35fs.
Identifiers: ClinVar variation 3572332 (VCV003572332.1).
Genomic context (GRCh38, chr16:176,934, plus strand): 5'-CAACCGTCCTGGCCCCGGACCCAAACCCCACCCCTCACTCTGCTTCTCCCCGCAGGATGT[T>TC]CCTGTCCTTCCCCACCACCAAGACCTACTTCCCGCACTTCGACCTGAGCCACGGCTCTGC-3'

ClinVar aggregate classification (germline): Likely pathogenic (1 of 4 stars; one submission).

Submission:

Quest Diagnostics Nichols Institute San Juan Capistrano
Classification: Likely pathogenic. Last evaluated: 2023-10-26. Review status: criteria provided, single submitter. Criteria: Quest Diagnostics criteria. Collection method: clinical testing. Allele origin: unknown.
Comment: The HBA1 c.103dup (p.Leu35Profs*23) variant alters the translational reading frame of the HBA1 mRNA and is predicted to cause the premature termination of HBA1 protein synthesis. This variant has not been reported in individuals with HBA1-related conditions in the published literature. This variant has not been reported in large, multi-ethnic general populations (Genome Aggregation Database). Based on the available information, this variant is classified as likely pathogenic.